The following is an entry in ClinVar:

NM_006904.7(PRKDC):c.188T>G (p.Phe63Cys)

Gene: PRKDC (protein kinase, DNA-activated, catalytic subunit; minus strand). Cytogenetic location: 8q11.21.
Variant type: single nucleotide variant.
Coding change: c.188T>G on transcript NM_006904.7 (MANE Select); coding-DNA position 188, T replaced by G.
Protein change: p.Phe63Cys; replaces phenylalanine 63 with cysteine.
Molecular consequence: missense variant.
Genome position (GRCh38, 1-based): chr8:47,957,398, A>C on the plus strand (T>G on the coding strand, the complement: PRKDC is on the minus strand). VCF-style: chr8-47957398-A-C. GRCh37 (hg19) VCF-style: chr8-48869958-A-C.
Other names: c.188T>G, p.Phe63Cys (NM_001081640.2); short protein forms F63C.
Identifiers: ClinVar variation 1782054 (VCV001782054.2), dbSNP rs2090722244, ClinGen allele CA371141642.

ClinVar aggregate classification (germline): Uncertain significance (1 of 4 stars; one submission).

Allele frequency attached by ClinVar (database versions not stated): TOPMed below 0.00001; gnomAD 0.00001.

Submission:

Ambry Genetics
Classification: Uncertain significance. Last evaluated: 2021-10-29. Review status: criteria provided, single submitter. Criteria: Ambry Variant Classification Scheme 2023. Collection method: clinical testing. Allele origin: germline.
Comment: The p.F63C variant (also known as c.188T>G), located in coding exon 2 of the PRKDC gene, results from a T to G substitution at nucleotide position 188. The phenylalanine at codon 63 is replaced by cysteine, an amino acid with highly dissimilar properties. This amino acid position is conserved. In addition, this alteration is predicted to be tolerated by in silico analysis. Since supporting evidence is limited at this time, the clinical significance of this alteration remains unclear.